The following is an entry in ClinVar:

ClinVar aggregate classification (germline): Uncertain significance (1 of 4 stars; one submission).

Conditions:
Inborn genetic diseases. Identifiers: MedGen C0950123, MeSH D030342.

Submission:

Ambry Genetics
Classification: Uncertain significance for Inborn genetic diseases. Last evaluated: 2024-02-27. Review status: criteria provided, single submitter. Criteria: Ambry Variant Classification Scheme 2023. Collection method: clinical testing. Allele origin: germline.
Comment: The p.H366P variant (also known as c.1097A>C), located in coding exon 9 of the EPAS1 gene, results from an A to C substitution at nucleotide position 1097. The histidine at codon 366 is replaced by proline, an amino acid with similar properties. This amino acid position is conserved. In addition, this alteration is predicted to be tolerated by in silico analysis. Based on the available evidence, the clinical significance of this alteration remains unclear.

NM_001430.5(EPAS1):c.1097A>C (p.His366Pro)

Gene: EPAS1 (endothelial PAS domain protein 1; plus strand). Cytogenetic location: 2p21.
Variant type: single nucleotide variant.
Coding change: c.1097A>C on transcript NM_001430.5 (MANE Select); coding-DNA position 1097, A replaced by C.
Protein change: p.His366Pro; replaces histidine 366 with proline.
Molecular consequence: missense variant.
Genome position (GRCh38, 1-based): chr2:46,376,601, A>C. VCF-style: chr2-46376601-A-C. GRCh37 (hg19) VCF-style: chr2-46603740-A-C.
Other names: short protein forms H366P.
Identifiers: ClinVar variation 3221521 (VCV003221521.1), dbSNP rs2546471340, ClinGen allele CA346703173.